The following is an entry in ClinVar:

ClinVar aggregate classification (germline): Uncertain significance (1 of 4 stars; one submission).

Submission:

GeneDx
Classification: Uncertain significance. Last evaluated: 2024-03-26. Review status: criteria provided, single submitter. Criteria: GeneDx Variant Classification Process June 2021. Collection method: clinical testing. Allele origin: germline. Affected: yes.
Comment: Not observed at significant frequency in large population cohorts (gnomAD); In silico analysis supports that this missense variant has a deleterious effect on protein structure/function; Has not been previously published as pathogenic or benign to our knowledge

NM_000138.5(FBN1):c.5072G>C (p.Arg1691Thr)

Gene: FBN1 (fibrillin 1; minus strand). Cytogenetic location: 15q21.1.
Variant type: single nucleotide variant.
Coding change: c.5072G>C on transcript NM_000138.5 (MANE Select); coding-DNA position 5072, G replaced by C.
Protein change: p.Arg1691Thr; replaces arginine 1691 with threonine.
Molecular consequence: missense variant.
Genome position (GRCh38, 1-based): chr15:48,463,234, C>G on the plus strand (G>C on the coding strand, the complement: FBN1 is on the minus strand). VCF-style: chr15-48463234-C-G. GRCh37 (hg19) VCF-style: chr15-48755431-C-G.
Other names: c.5072G>C, p.Arg1691Thr (NM_001406716.1); short protein forms R1691T.
Identifiers: ClinVar variation 3371339 (VCV003371339.1).